The following is an entry in ClinVar:

NM_000238.4(KCNH2):c.60C>T (p.Arg20=)

Gene: KCNH2 (potassium voltage-gated channel subfamily H member 2; minus strand). Cytogenetic location: 7q36.1.
Variant type: single nucleotide variant.
Coding change: c.60C>T on transcript NM_000238.4 (MANE Select); coding-DNA position 60, C replaced by T.
Protein change: p.Arg20=; no amino-acid change (arginine 20 retained).
Molecular consequence: synonymous variant. On other transcripts: non-coding transcript variant (1).
Genome position (GRCh38, 1-based): chr7:150,977,854, G>A on the plus strand (C>T on the coding strand, the complement: KCNH2 is on the minus strand). VCF-style: chr7-150977854-G-A. GRCh37 (hg19) VCF-style: chr7-150674942-G-A.
Other names: c.60C>T, p.Arg20= (NM_172056.3).
Identifiers: ClinVar variation 2002641 (VCV002002641.4), dbSNP rs748478702, ClinGen allele CA458648283.

ClinVar aggregate classification (germline): Uncertain significance (1 of 4 stars; one submission).

Conditions:
Long QT syndrome (LQTS). Identifiers: MedGen C0023976, MeSH D008133, MONDO:0002442. Disease mechanism: loss of function. Inheritance: Various modes of inheritance.

Submission:

Labcorp Genetics (formerly Invitae), Labcorp
Classification: Uncertain significance for Long QT syndrome. Last evaluated: 2024-10-15. Review status: criteria provided, single submitter. Criteria: Invitae Variant Classification Sherloc (09022015). Collection method: clinical testing. Allele origin: germline.
Comment: This sequence change affects codon 20 of the KCNH2 mRNA. It is a 'silent' change, meaning that it does not change the encoded amino acid sequence of the KCNH2 protein. This variant is not present in population databases (gnomAD no frequency). This variant has not been reported in the literature in individuals affected with KCNH2-related conditions. ClinVar contains an entry for this variant (Variation ID: 2002641). Algorithms developed to predict the effect of sequence changes on RNA splicing suggest that this variant may disrupt the consensus splice site. In summary, the available evidence is currently insufficient to determine the role of this variant in disease. Therefore, it has been classified as a Variant of Uncertain Significance.